The following is an entry in ClinVar:

NM_030957.4(ADAMTS10):c.2158G>T (p.Gly720Trp)

Gene: ADAMTS10 (ADAM metallopeptidase with thrombospondin type 1 motif 10; minus strand). Cytogenetic location: 19p13.2.
Variant type: single nucleotide variant.
Coding change: c.2158G>T on transcript NM_030957.4 (MANE Select); coding-DNA position 2158, G replaced by T.
Protein change: p.Gly720Trp; replaces glycine 720 with tryptophan.
Molecular consequence: missense variant.
Genome position (GRCh38, 1-based): chr19:8,589,242, C>A on the plus strand (G>T on the coding strand, the complement: ADAMTS10 is on the minus strand). VCF-style: chr19-8589242-C-A. GRCh37 (hg19) VCF-style: chr19-8654126-C-A.
Other names: c.2158G>T (NM_030957.3); c.619G>T, p.Gly207Trp (NM_001282352.2); short protein forms G207W, G720W.
Identifiers: ClinVar variation 1400360 (VCV001400360.5), dbSNP rs368873893, ClinGen allele CA9160202.

ClinVar aggregate classification (germline): Uncertain significance. Review status: criteria provided, multiple submitters, no conflicts (2 of 4 stars). 2 submissions from 2 submitters: Uncertain significance (2). Last evaluated 2025-11-18.

Conditions:
ADAMTS10-related disorder. Also called: ADAMTS10-related condition.

Allele frequency attached by ClinVar (database versions not stated): ESP Exome Variant Server 0.00008.
gnomAD v4.1: 53 of 1,612,464 alleles (0.0033%); highest among the groups gnomAD compares: Middle Eastern, 0.017%; no homozygotes.

Submissions (3):

PreventionGenetics, part of Exact Sciences
Classification: Uncertain significance for ADAMTS10-related condition. Last evaluated: 2025-11-18. Review status: criteria provided, single submitter. Criteria: ACMG Guidelines, 2015. Collection method: clinical testing. Allele origin: germline.
Comment: The ADAMTS10 c.2158G>T variant is predicted to result in the amino acid substitution p.Gly720Trp. This variant affects the last position of exon 18 and is predicted to alter splicing based on available splicing prediction software (SpliceAI, Jaganathan et al. 2019. PubMed ID: 30661751). However, the use of computer prediction software is not equivalent to functional evidence. To our knowledge, this variant has not been reported in the literature. This variant is reported in 0.0081% of alleles in individuals of African descent in gnomAD. At this time, the clinical significance of this variant is uncertain due to the absence of conclusive functional and genetic evidence.

Labcorp Genetics (formerly Invitae), Labcorp
Classification: Uncertain significance. Last evaluated: 2021-11-27. Review status: criteria provided, single submitter. Criteria: Invitae Variant Classification Sherloc (09022015). Collection method: clinical testing. Allele origin: germline.
Comment: This sequence change affects codon 720 of the ADAMTS10 mRNA. It is a 'silent' change, meaning that it does not change the encoded amino acid sequence of the ADAMTS10 protein. This variant also falls at the last nucleotide of exon 18, which is part of the consensus splice site for this exon. This variant is present in population databases (rs368873893, gnomAD 0.008%). This variant has not been reported in the literature in individuals affected with ADAMTS10-related conditions. Algorithms developed to predict the effect of missense changes on protein structure and function (SIFT, PolyPhen-2, Align-GVGD) all suggest that this variant is likely to be disruptive. Variants that disrupt the consensus splice site are a relatively common cause of aberrant splicing (PMID: 17576681, 9536098). Algorithms developed to predict the effect of sequence changes on RNA splicing suggest that this variant may disrupt the consensus splice site. In summary, the available evidence is currently insufficient to determine the role of this variant in disease. Therefore, it has been classified as a Variant of Uncertain Significance.

Dr. Peter K. Rogan Lab, Western University
No classification provided (evidence only). Condition: Sarcoma. Review status: no classification provided. Collection method: in vitro. Allele origin: not applicable. Functional consequence: retained intron. Not counted in ClinVar's aggregate classification.

Literature cited by the submitters: PubMed 17576681 (cited by Labcorp Genetics (formerly Invitae), Labcorp); PubMed 9536098 (cited by Labcorp Genetics (formerly Invitae), Labcorp).